The following is an entry in ClinVar:

ClinVar aggregate classification (germline): Uncertain significance. Review status: criteria provided, multiple submitters, no conflicts (2 of 4 stars). 4 submissions from 4 submitters: Uncertain significance (4). Last evaluated 2025-05-17.

Conditions:
Fraser syndrome 2 (FRASRS2). Identifiers: MedGen C4540036, MONDO:0054738, OMIM 617666.
Inborn genetic diseases. Identifiers: MedGen C0950123, MeSH D030342.
Isolated cryptophthalmia. Also called: Cryptophthalmos, unilateral or bilateral, isolated; ANKYLOBLEPHARON, SIMPLE. Identifiers: Orphanet 91396, MedGen C1852453, MONDO:0007410, OMIM 123570.

Allele frequency attached by ClinVar (database versions not stated): 1000 Genomes Project 30x 0.00016; 1000 Genomes Project 0.00020; TOPMed 0.00022; ESP Exome Variant Server 0.00023.
gnomAD v4.1: 672 of 1,614,106 alleles (0.042%); highest among the groups gnomAD compares: Non-Finnish European, 0.052%; 2 homozygotes.

Submissions (4):

Ambry Genetics
Classification: Uncertain significance for Inborn genetic diseases. Last evaluated: 2025-05-17. Review status: criteria provided, single submitter. Criteria: Ambry Variant Classification Scheme 2023. Collection method: clinical testing. Allele origin: germline.

Fulgent Genetics
Classification: Uncertain significance for Isolated cryptophthalmia; Fraser syndrome 2. Last evaluated: 2022-05-28. Review status: criteria provided, single submitter. Criteria: ACMG Guidelines, 2015. Collection method: clinical testing. Allele origin: unknown.

Labcorp Genetics (formerly Invitae), Labcorp
Classification: Uncertain significance. Last evaluated: 2022-05-12. Review status: criteria provided, single submitter. Criteria: Invitae Variant Classification Sherloc (09022015). Collection method: clinical testing. Allele origin: germline.
Comment: This sequence change replaces arginine, which is basic and polar, with serine, which is neutral and polar, at codon 2625 of the FREM2 protein (p.Arg2625Ser). This variant is present in population databases (rs115492820, gnomAD 0.04%), including at least one homozygous and/or hemizygous individual. This variant has not been reported in the literature in individuals affected with FREM2-related conditions. ClinVar contains an entry for this variant (Variation ID: 883565). Algorithms developed to predict the effect of missense changes on protein structure and function are either unavailable or do not agree on the potential impact of this missense change (SIFT: "Deleterious"; PolyPhen-2: "Possibly Damaging"; Align-GVGD: "Class C0"). In summary, the available evidence is currently insufficient to determine the role of this variant in disease. Therefore, it has been classified as a Variant of Uncertain Significance.

Illumina Laboratory Services, Illumina
Classification: Uncertain significance for Fraser syndrome 2. Last evaluated: 2018-01-13. Review status: criteria provided, single submitter. Criteria: ICSL Variant Classification Criteria 13 December 2019. Collection method: clinical testing. Allele origin: germline.

NM_207361.6(FREM2):c.7873C>A (p.Arg2625Ser)

Gene: FREM2 (FRAS1 related extracellular matrix 2; plus strand). Cytogenetic location: 13q13.3.
Variant type: single nucleotide variant.
Coding change: c.7873C>A on transcript NM_207361.6 (MANE Select); coding-DNA position 7873, C replaced by A.
Protein change: p.Arg2625Ser; replaces arginine 2625 with serine.
Molecular consequence: missense variant.
Genome position (GRCh38, 1-based): chr13:38,864,496, C>A. VCF-style: chr13-38864496-C-A. GRCh37 (hg19) VCF-style: chr13-39438633-C-A.
Other names: short protein forms R2625S.
Identifiers: ClinVar variation 883565 (VCV000883565.12), dbSNP rs115492820, ClinGen allele CA6955980.